The following is an entry in ClinVar:

NM_001267550.2(TTN):c.99099C>A (p.Tyr33033Ter)

Genes: TTN (titin; minus strand), TTN-AS1 (TTN antisense RNA 1; plus strand). Cytogenetic location: 2q31.2.
Variant type: single nucleotide variant.
Coding change: c.99099C>A on transcript NM_001267550.2 (MANE Select); coding-DNA position 99099, C replaced by A.
Protein change: p.Tyr33033Ter; replaces tyrosine 33033 with a stop codon.
Molecular consequence: nonsense. On other transcripts: non-coding transcript variant (1).
Genome position (GRCh38, 1-based): chr2:178,538,730, G>T on the plus strand (C>A on the coding strand, the complement: TTN is on the minus strand). VCF-style: chr2-178538730-G-T. GRCh37 (hg19) VCF-style: chr2-179403457-G-T.
Other names: c.94176C>A, p.Tyr31392Ter (NM_001256850.1); c.71904C>A, p.Tyr23968Ter (NM_003319.4); c.91395C>A, p.Tyr30465Ter (NM_133378.4); c.72279C>A, p.Tyr24093Ter (NM_133432.3); c.72480C>A, p.Tyr24160Ter (NM_133437.4); short protein forms Y24160*, Y30465*, Y23968*, Y24093*, Y33033*, Y31392*.
Identifiers: ClinVar variation 5008439 (VCV005008439.1).

ClinVar aggregate classification (germline): Likely pathogenic (1 of 4 stars; one submission).

Submission:

GeneDx
Classification: Likely pathogenic. Last evaluated: 2026-03-06. Review status: criteria provided, single submitter. Criteria: GeneDx Variant Classification Process June 2021. Collection method: clinical testing. Allele origin: germline.
Comment: Nonsense variant predicted to result in protein truncation or nonsense mediated decay in a gene for which loss of function is a known mechanism of disease; Located in the A-band, a region of TTN for which truncating variants are significantly associated with autosomal dominant cardiomyopathy and also with autosomal recessive skeletal myopathies (PMID: 22335739, 32778822); Not observed at significant frequency in large population cohorts (gnomAD); Has not been previously published as pathogenic or benign to our knowledge; This variant is associated with the following publications: (PMID: 22335739, 32778822)